The following is an entry in ClinVar:

ClinVar aggregate classification (germline): Likely benign. Review status: criteria provided, multiple submitters, no conflicts (2 of 4 stars). 5 submissions from 5 submitters: Likely benign (5). Last evaluated 2025-11-15.

Conditions:
Cardiovascular phenotype. Identifiers: MedGen CN230736.
Cardiomyopathy (CMYO). Also called: Cardiomyopathies. Identifiers: Orphanet 167848, MedGen C0878544, MONDO:0004994, HP:0001638. Inheritance: Various modes of inheritance.
Hypertrophic cardiomyopathy. Also called: HYPERTROPHIC MYOCARDIOPATHY. Identifiers: Orphanet 217569, MedGen C0007194, MeSH D002312, MONDO:0005045, HP:0001639.

Allele frequency attached by ClinVar (database versions not stated): gnomAD 0.00001; gnomAD exomes 0.00001; TOPMed 0.00001; ExAC 0.00002; ESP Exome Variant Server 0.00008.
gnomAD v4.1: 11 of 1,613,934 alleles (0.00068%); highest among the groups gnomAD compares: South Asian, 0.0033%; no homozygotes.

Submissions (5):

Ambry Genetics
Classification: Likely benign for Cardiovascular phenotype. Last evaluated: 2025-11-15. Review status: criteria provided, single submitter. Criteria: Ambry Variant Classification Scheme 2023. Collection method: clinical testing. Allele origin: germline.

Labcorp Genetics (formerly Invitae), Labcorp
Classification: Likely benign for Hypertrophic cardiomyopathy. Last evaluated: 2025-11-09. Review status: criteria provided, single submitter. Criteria: Invitae Variant Classification Sherloc (09022015). Collection method: clinical testing. Allele origin: germline.

All of Us Research Program, National Institutes of Health
Classification: Likely benign for Hypertrophic cardiomyopathy. Last evaluated: 2023-11-30. Review status: criteria provided, single submitter. Criteria: ACMG Guidelines, 2015. Collection method: clinical testing. Allele origin: germline. Inheritance: Autosomal dominant inheritance. Observed: 4 variant alleles, 4 heterozygotes.
Comment: This study involves interpretation of variants in research participants for the purpose of population health screening. Participant phenotype was not available at the time of variant classification. Additional details can be found in publication PMID: 35346344, PMCID: PMC8962531

Color Diagnostics, LLC DBA Color Health
Classification: Likely benign for Cardiomyopathy. Last evaluated: 2019-09-30. Review status: criteria provided, single submitter. Criteria: ACMG Guidelines, 2015. Collection method: clinical testing. Allele origin: germline.

GeneDx
Classification: Likely benign. Last evaluated: 2019-04-29. Review status: criteria provided, single submitter. Criteria: GeneDx Variant Classification Process June 2021. Collection method: clinical testing. Allele origin: germline. Affected: yes.
Comment: Not observed at a significant frequency in large population cohorts (Lek et al., 2016); In silico analysis, which includes splice predictors and evolutionary conservation, supports that this variant does not alter protein structure/function; Has not been previously published as pathogenic or benign to our knowledge

NM_000258.3(MYL3):c.183C>T (p.Phe61=)

Gene: MYL3 (myosin light chain 3; minus strand). Cytogenetic location: 3p21.31.
Variant type: single nucleotide variant.
Coding change: c.183C>T on transcript NM_000258.3 (MANE Select); coding-DNA position 183, C replaced by T.
Protein change: p.Phe61=; no amino-acid change (phenylalanine 61 retained).
Molecular consequence: synonymous variant.
Genome position (GRCh38, 1-based): chr3:46,860,800, G>A on the plus strand (C>T on the coding strand, the complement: MYL3 is on the minus strand). VCF-style: chr3-46860800-G-A. GRCh37 (hg19) VCF-style: chr3-46902290-G-A.
Identifiers: ClinVar variation 923387 (VCV000923387.13), dbSNP rs368118534, ClinGen allele CA042972.